The following is an entry in ClinVar:

ClinVar aggregate classification (germline): Uncertain significance (1 of 4 stars; one submission).

Conditions:
Gorlin syndrome. Also called: Basal cell nevus syndrome; Nevoid Basal Cell Carcinoma Syndrome. Identifiers: Orphanet 377, MedGen C0004779, MONDO:0007187.

Submission:

Labcorp Genetics (formerly Invitae), Labcorp
Classification: Uncertain significance for Gorlin syndrome. Last evaluated: 2022-03-08. Review status: criteria provided, single submitter. Criteria: Invitae Variant Classification Sherloc (09022015). Collection method: clinical testing. Allele origin: germline.
Comment: This variant has not been reported in the literature in individuals affected with PTCH2-related conditions. ClinVar contains an entry for this variant (Variation ID: 1062266). Algorithms developed to predict the effect of missense changes on protein structure and function are either unavailable or do not agree on the potential impact of this missense change (SIFT: "Deleterious"; PolyPhen-2: "Probably Damaging"; Align-GVGD: "Class C0"). In summary, the available evidence is currently insufficient to determine the role of this variant in disease. Therefore, it has been classified as a Variant of Uncertain Significance. This variant is not present in population databases (gnomAD no frequency). This sequence change replaces leucine, which is neutral and non-polar, with arginine, which is basic and polar, at codon 727 of the PTCH2 protein (p.Leu727Arg).

NM_003738.5(PTCH2):c.2180T>G (p.Leu727Arg)

Gene: PTCH2 (patched 2; minus strand). Cytogenetic location: 1p34.1.
Variant type: single nucleotide variant.
Coding change: c.2180T>G on transcript NM_003738.5 (MANE Select); coding-DNA position 2180, T replaced by G.
Protein change: p.Leu727Arg; replaces leucine 727 with arginine.
Molecular consequence: missense variant.
Genome position (GRCh38, 1-based): chr1:44,827,593, A>C on the plus strand (T>G on the coding strand, the complement: PTCH2 is on the minus strand). VCF-style: chr1-44827593-A-C. GRCh37 (hg19) VCF-style: chr1-45293265-A-C.
Other names: c.2180T>G, p.Leu727Arg (NM_001166292.2); short protein forms L727R.
Identifiers: ClinVar variation 1062266 (VCV001062266.9), dbSNP rs2148875486, ClinGen allele CA340096622.